The following is an entry in ClinVar:

NM_022089.4(ATP13A2):c.2395G>A (p.Ala799Thr)

Gene: ATP13A2 (ATPase cation transporting 13A2; minus strand). Cytogenetic location: 1p36.13.
Variant type: single nucleotide variant.
Coding change: c.2395G>A on transcript NM_022089.4 (MANE Select); coding-DNA position 2395, G replaced by A.
Protein change: p.Ala799Thr; replaces alanine 799 with threonine.
Molecular consequence: missense variant.
Genome position (GRCh38, 1-based): chr1:16,990,144, C>T on the plus strand (G>A on the coding strand, the complement: ATP13A2 is on the minus strand). VCF-style: chr1-16990144-C-T. GRCh37 (hg19) VCF-style: chr1-17316639-C-T.
Other names: c.2380G>A, p.Ala794Thr (NM_001141973.3, NM_001141974.3); c.2395G>A (NM_022089.2); short protein forms A799T, A794T.
Identifiers: ClinVar variation 2036444 (VCV002036444.5), dbSNP rs1291387622, ClinGen allele CA338241039.
Genomic context (GRCh38, chr1:16,990,144, plus strand): 5'-GGTCACTGGGTGAGGTACAGCTGGAACTCTGGGTTAGCCTCACCTTAACGCCATTCACGG[C>T]TGTGGGGGACTCCATCGGCAGGAACTCGAGAGAGGCAGGCTGACCCCGCTCAGGGTGGGT-3'
Protein context (NP_071372.1, residues 789-809): LEFLPMESPT[Ala799Thr]VNGVKDPDQA

ClinVar aggregate classification (germline): Uncertain significance. Review status: criteria provided, multiple submitters, no conflicts (2 of 4 stars). 2 submissions from 2 submitters: Uncertain significance (2). Last evaluated 2025-05-19.

Conditions:
Kufor-Rakeb syndrome (KRS). Also called: PARKINSON DISEASE 9, AUTOSOMAL RECESSIVE, JUVENILE-ONSET. Identifiers: Orphanet 306674, Orphanet 314632, MedGen C1847640, MONDO:0011706, OMIM 606693.
Autosomal recessive spastic paraplegia type 78. Identifiers: Orphanet 513436, MedGen C5567893, MONDO:0014975, OMIM 617225.
Inborn genetic diseases. Identifiers: MedGen C0950123, MeSH D030342.

gnomAD v4.1: 9 of 1,614,162 alleles (0.00056%); highest among the groups gnomAD compares: Non-Finnish European, 0.00076%; no homozygotes.

Submissions (2):

Ambry Genetics
Classification: Uncertain significance for Inborn genetic diseases. Last evaluated: 2025-05-19. Review status: criteria provided, single submitter. Criteria: Ambry Variant Classification Scheme 2023. Collection method: clinical testing. Allele origin: germline.

Labcorp Genetics (formerly Invitae), Labcorp
Classification: Uncertain significance for Kufor-Rakeb syndrome; Autosomal recessive spastic paraplegia type 78. Last evaluated: 2022-04-23. Review status: criteria provided, single submitter. Criteria: Invitae Variant Classification Sherloc (09022015). Collection method: clinical testing. Allele origin: germline.
Comment: This sequence change replaces alanine, which is neutral and non-polar, with threonine, which is neutral and polar, at codon 799 of the ATP13A2 protein (p.Ala799Thr). In summary, the available evidence is currently insufficient to determine the role of this variant in disease. Therefore, it has been classified as a Variant of Uncertain Significance. Advanced modeling of protein sequence and biophysical properties (such as structural, functional, and spatial information, amino acid conservation, physicochemical variation, residue mobility, and thermodynamic stability) performed at Invitae indicates that this missense variant is not expected to disrupt ATP13A2 protein function. This variant has not been reported in the literature in individuals affected with ATP13A2-related conditions. This variant is not present in population databases (gnomAD no frequency).